The following is an entry in ClinVar:

NM_000135.4(FANCA):c.1364C>A (p.Ser455Tyr)

Gene: FANCA (FA complementation group A; minus strand). Cytogenetic location: 16q24.3.
Variant type: single nucleotide variant.
Coding change: c.1364C>A on transcript NM_000135.4 (MANE Select); coding-DNA position 1364, C replaced by A.
Protein change: p.Ser455Tyr; replaces serine 455 with tyrosine.
Molecular consequence: missense variant.
Genome position (GRCh38, 1-based): chr16:89,784,960, G>T on the plus strand (C>A on the coding strand, the complement: FANCA is on the minus strand). VCF-style: chr16-89784960-G-T. GRCh37 (hg19) VCF-style: chr16-89851368-G-T.
Other names: c.1364C>A, p.Ser455Tyr (NM_001286167.3); short protein forms S455Y.
Identifiers: ClinVar variation 1898694 (VCV001898694.5), dbSNP rs1429369721, ClinGen allele CA397460234.

ClinVar aggregate classification (germline): Uncertain significance (1 of 4 stars; one submission).

Conditions:
Fanconi anemia (FA). Also called: Fanconi's anemia. Identifiers: Orphanet 84, MedGen C0015625, MeSH D005199, MONDO:0019391.

Allele frequency attached by ClinVar (database versions not stated): gnomAD 0.00001.
gnomAD v4.1: 1 of 1,613,216 alleles (0.000062%); highest among the groups gnomAD compares: Non-Finnish European, 0.000085%; no homozygotes.

Submission:

Labcorp Genetics (formerly Invitae), Labcorp
Classification: Uncertain significance for Fanconi anemia. Last evaluated: 2023-12-07. Review status: criteria provided, single submitter. Criteria: Invitae Variant Classification Sherloc (09022015). Collection method: clinical testing. Allele origin: germline.
Comment: This sequence change replaces serine, which is neutral and polar, with tyrosine, which is neutral and polar, at codon 455 of the FANCA protein (p.Ser455Tyr). This variant is present in population databases (no rsID available, gnomAD 0.007%). This variant has not been reported in the literature in individuals affected with FANCA-related conditions. ClinVar contains an entry for this variant (Variation ID: 1898694). Advanced modeling of protein sequence and biophysical properties (such as structural, functional, and spatial information, amino acid conservation, physicochemical variation, residue mobility, and thermodynamic stability) has been performed at Invitae for this missense variant, however the output from this modeling did not meet the statistical confidence thresholds required to predict the impact of this variant on FANCA protein function. In summary, the available evidence is currently insufficient to determine the role of this variant in disease. Therefore, it has been classified as a Variant of Uncertain Significance.